The following is an entry in ClinVar:

ClinVar aggregate classification (germline): Benign (1 of 4 stars; one submission).

Conditions:
Episodic ataxia type 1 (EA1). Also called: ATAXIA, EPISODIC, WITH MYOKYMIA; MYOKYMIA WITH PERIODIC ATAXIA; PAROXYSMAL ATAXIA WITH NEUROMYOTONIA, HEREDITARY; Episodic ataxia/myokymia syndrome. Identifiers: Orphanet 37612, Orphanet 972, MedGen C1719788, MONDO:0008047, OMIM 160120.

Allele frequency attached by ClinVar (database versions not stated): gnomAD exomes 0.00007; gnomAD 0.00133 and 0.00145; 1000 Genomes Project 0.00140; 1000 Genomes Project 30x 0.00141; TOPMed 0.00153.
gnomAD v4.1: 219 of 167,220 alleles (0.13%); highest among the groups gnomAD compares: South Asian, 0.48%; no homozygotes.

Submission:

Illumina Laboratory Services, Illumina
Classification: Benign for Episodic ataxia type 1. Last evaluated: 2018-01-13. Review status: criteria provided, single submitter. Criteria: ICSL Variant Classification Criteria 13 December 2019. Collection method: clinical testing. Allele origin: germline.
Comment: This variant was observed in the ICSL laboratory as part of a predisposition screen in an ostensibly healthy population. It had not been previously curated by ICSL or reported in the Human Gene Mutation Database (HGMD: prior to June 1st, 2018), and was therefore a candidate for classification through an automated scoring system. Utilizing variant allele frequency, disease prevalence and penetrance estimates, and inheritance mode, an automated score was calculated to assess if this variant is too frequent to cause the disease. Based on the score and internal cut-off values, a variant classified as benign is not then subjected to further curation. The score for this variant resulted in a classification of benign for this disease.

NM_000217.3(KCNA1):c.*2596A>T

Gene: KCNA1 (potassium voltage-gated channel subfamily A member 1; plus strand). Cytogenetic location: 12p13.32.
Variant type: single nucleotide variant.
Coding change: c.*2596A>T on transcript NM_000217.3 (MANE Select); 2596 bases downstream of the stop codon, A replaced by T.
Molecular consequence: 3 prime UTR variant.
Genome position (GRCh38, 1-based): chr12:4,915,462, A>T. VCF-style: chr12-4915462-A-T. GRCh37 (hg19) VCF-style: chr12-5024628-A-T.
Identifiers: ClinVar variation 309191 (VCV000309191.6), dbSNP rs188377239, ClinGen allele CA10642532.